The following is an entry in ClinVar:

ClinVar aggregate classification (germline): Uncertain significance. Review status: criteria provided, multiple submitters, no conflicts (2 of 4 stars). 4 submissions from 4 submitters: Uncertain significance (4). Last evaluated 2024-02-29.

Conditions:
Hereditary cancer-predisposing syndrome. Also called: Neoplastic Syndromes, Hereditary; Tumor predisposition; Hereditary Cancer Syndrome; Hereditary neoplastic syndrome. Identifiers: Orphanet 140162, MedGen C0027672, MeSH D009386, MONDO:0015356.
Familial cancer of breast. Also called: BREAST CANCER, FAMILIAL; Hereditary breast cancer; hereditary breast carcinoma. Identifiers: Orphanet 227535, MedGen C0346153, MONDO:0016419, OMIM 114480. Disease mechanism: loss of function.

Allele frequency attached by ClinVar (database versions not stated): gnomAD exomes below 0.00001.
gnomAD v4.1: 2 of 1,614,150 alleles (0.00012%); highest among the groups gnomAD compares: Non-Finnish European, 0.00017%; no homozygotes.

Submissions (4):

Ambry Genetics
Classification: Uncertain significance for Hereditary cancer-predisposing syndrome. Last evaluated: 2024-02-29. Review status: criteria provided, single submitter. Criteria: Ambry Variant Classification Scheme 2023. Collection method: clinical testing. Allele origin: germline.
Comment: The p.D741G variant (also known as c.2222A>G), located in coding exon 11 of the BARD1 gene, results from an A to G substitution at nucleotide position 2222. The aspartic acid at codon 741 is replaced by glycine, an amino acid with similar properties. This amino acid position is not well conserved in available vertebrate species. In addition, this alteration is predicted to be tolerated by in silico analysis. Since supporting evidence is limited at this time, the clinical significance of this alteration remains unclear.

Baylor Genetics
Classification: Uncertain significance for Familial cancer of breast. Last evaluated: 2024-02-07. Review status: criteria provided, single submitter. Criteria: ACMG Guidelines, 2015. Collection method: clinical testing. Allele origin: unknown.

Color Diagnostics, LLC DBA Color Health
Classification: Uncertain significance for Hereditary cancer-predisposing syndrome. Last evaluated: 2023-12-05. Review status: criteria provided, single submitter. Criteria: ACMG Guidelines, 2015. Collection method: clinical testing. Allele origin: germline.
Comment: This missense variant replaces aspartic acid with glycine at codon 741 of the BARD1 protein. Computational prediction suggests that this variant may not impact protein structure and function (internally defined REVEL score threshold <= 0.5, PMID: 27666373). To our knowledge, functional studies have not been reported for this variant. This variant has not been reported in individuals affected with BARD1-related disorders in the literature. This variant has not been identified in the general population by the Genome Aggregation Database (gnomAD). The available evidence is insufficient to determine the role of this variant in disease conclusively. Therefore, this variant is classified as a Variant of Uncertain Significance.

Labcorp Genetics (formerly Invitae), Labcorp
Classification: Uncertain significance for Familial cancer of breast. Last evaluated: 2022-07-21. Review status: criteria provided, single submitter. Criteria: Invitae Variant Classification Sherloc (09022015). Collection method: clinical testing. Allele origin: germline.
Comment: This sequence change replaces aspartic acid, which is acidic and polar, with glycine, which is neutral and non-polar, at codon 741 of the BARD1 protein (p.Asp741Gly). This variant is not present in population databases (gnomAD no frequency). This variant has not been reported in the literature in individuals affected with BARD1-related conditions. ClinVar contains an entry for this variant (Variation ID: 485316). Algorithms developed to predict the effect of missense changes on protein structure and function (SIFT, PolyPhen-2, Align-GVGD) all suggest that this variant is likely to be tolerated. Algorithms developed to predict the effect of sequence changes on RNA splicing suggest that this variant may create or strengthen a splice site. In summary, the available evidence is currently insufficient to determine the role of this variant in disease. Therefore, it has been classified as a Variant of Uncertain Significance.

NM_000465.4(BARD1):c.2222A>G (p.Asp741Gly)

Gene: BARD1 (BRCA1 associated RING domain 1; minus strand). Cytogenetic location: 2q35.
Variant type: single nucleotide variant.
Coding change: c.2222A>G on transcript NM_000465.4 (MANE Select); coding-DNA position 2222, A replaced by G.
Protein change: p.Asp741Gly; replaces aspartic acid 741 with glycine.
Molecular consequence: missense variant. On other transcripts: non-coding transcript variant (3).
Genome position (GRCh38, 1-based): chr2:214,728,788, T>C on the plus strand (A>G on the coding strand, the complement: BARD1 is on the minus strand). VCF-style: chr2-214728788-T-C. GRCh37 (hg19) VCF-style: chr2-215593512-T-C.
Other names: c.2165A>G, p.Asp722Gly (NM_001282543.2); c.869A>G, p.Asp290Gly (NM_001282545.2); c.812A>G, p.Asp271Gly (NM_001282548.2); c.683A>G, p.Asp228Gly (NM_001282549.2); short protein forms D741G, D271G, D722G, D290G, D228G.
Identifiers: ClinVar variation 485316 (VCV000485316.17), dbSNP rs1553612090, ClinGen allele CA350450128.
Genomic context (GRCh38, chr2:214,728,788, plus strand): 5'-CTCGAAGGAGCCTTCCAGACTTTGCCCTGCCGAACCCTCTCTGGGTGATAATTACACAAA[T>C]CTTCATAGATGATATACTGTGTGCAGAAGCGCTGATCAGAATCGGGTCTCGCATGGTATG-3'
Protein context (NP_000456.2, residues 731-751): RFCTQYIIYE[Asp741Gly]LCNYHPERVR